The following is an entry in ClinVar:

NM_001161352.2(KCNMA1):c.2353C>G (p.Leu785Val)

Genes: KCNMA1-AS1 (KCNMA1 antisense RNA 1; plus strand), KCNMA1 (potassium calcium-activated channel subfamily M alpha 1; minus strand). Cytogenetic location: 10q22.3.
Variant type: single nucleotide variant.
Coding change: c.2353C>G on transcript NM_001161352.2 (MANE Select); coding-DNA position 2353, C replaced by G.
Protein change: p.Leu785Val; replaces leucine 785 with valine.
Molecular consequence: missense variant.
Genome position (GRCh38, 1-based): chr10:76,969,981, G>C on the plus strand (C>G on the coding strand, the complement: KCNMA1 is on the minus strand). VCF-style: chr10-76969981-G-C. GRCh37 (hg19) VCF-style: chr10-78729739-G-C.
Other names: c.2191C>G, p.Leu731Val (NM_001014797.3, NM_001322835.2, NM_001322837.2); c.2179C>G, p.Leu727Val (NM_001161353.2, NM_001322832.2, NM_001410940.1 and 1 more transcripts); c.2029C>G, p.Leu677Val (NM_001271518.2); c.2188C>G, p.Leu730Val (NM_001271519.2, NM_001322829.2, NM_001322836.2); c.2200C>G, p.Leu734Val (NM_001322830.2); c.1726C>G, p.Leu576Val (NM_001322838.2); short protein forms L785V, L576V, L730V, L677V, L734V, L727V, L731V.
Identifiers: ClinVar variation 2862542 (VCV002862542.3), dbSNP rs140324782, ClinGen allele CA377408323.

ClinVar aggregate classification (germline): Uncertain significance (1 of 4 stars; one submission).

Conditions:
Generalized epilepsy-paroxysmal dyskinesia syndrome (PNKD3). Also called: Generalized epilepsy and paroxysmal dyskinesia; Paroxysmal nonkinesigenic dyskinesia, 3, with or without generalized epilepsy. Identifiers: Orphanet 79137, MedGen C5574945, MONDO:0012276, OMIM 609446.

Submission:

Labcorp Genetics (formerly Invitae), Labcorp
Classification: Uncertain significance for Generalized epilepsy-paroxysmal dyskinesia syndrome. Last evaluated: 2023-05-07. Review status: criteria provided, single submitter. Criteria: Invitae Variant Classification Sherloc (09022015). Collection method: clinical testing. Allele origin: germline.
Comment: This sequence change replaces leucine, which is neutral and non-polar, with valine, which is neutral and non-polar, at codon 727 of the KCNMA1 protein (p.Leu727Val). This variant is not present in population databases (gnomAD no frequency). In summary, the available evidence is currently insufficient to determine the role of this variant in disease. Therefore, it has been classified as a Variant of Uncertain Significance. Advanced modeling of protein sequence and biophysical properties (such as structural, functional, and spatial information, amino acid conservation, physicochemical variation, residue mobility, and thermodynamic stability) performed at Invitae indicates that this missense variant is not expected to disrupt KCNMA1 protein function. This variant has not been reported in the literature in individuals affected with KCNMA1-related conditions.